The following is an entry in ClinVar:

NM_004793.4(LONP1):c.2822A>G (p.Glu941Gly)

Gene: LONP1 (lon peptidase 1, mitochondrial; minus strand). Cytogenetic location: 19p13.3.
Variant type: single nucleotide variant.
Coding change: c.2822A>G on transcript NM_004793.4 (MANE Select); coding-DNA position 2822, A replaced by G.
Protein change: p.Glu941Gly; replaces glutamic acid 941 with glycine.
Molecular consequence: missense variant. On other transcripts: non-coding transcript variant (1).
Genome position (GRCh38, 1-based): chr19:5,692,090, T>C on the plus strand (A>G on the coding strand, the complement: LONP1 is on the minus strand). VCF-style: chr19-5692090-T-C. GRCh37 (hg19) VCF-style: chr19-5692101-T-C.
Other names: c.2630A>G, p.Glu877Gly (NM_001276479.2); c.2234A>G, p.Glu745Gly (NM_001276480.1); short protein forms E941G, E877G, E745G.
Identifiers: ClinVar variation 2087777 (VCV002087777.4), dbSNP rs1458317824, ClinGen allele CA403524804.

ClinVar aggregate classification (germline): Uncertain significance (1 of 4 stars; one submission).

Allele frequency attached by ClinVar (database versions not stated): gnomAD exomes below 0.00001; TOPMed 0.00002.
gnomAD v4.1: 6 of 1,610,176 alleles (0.00037%); highest among the groups gnomAD compares: East Asian, 0.013%; no homozygotes.

Submission:

Labcorp Genetics (formerly Invitae), Labcorp
Classification: Uncertain significance. Last evaluated: 2024-10-16. Review status: criteria provided, single submitter. Criteria: Invitae Variant Classification Sherloc (09022015). Collection method: clinical testing. Allele origin: germline.
Comment: This sequence change replaces glutamic acid, which is acidic and polar, with glycine, which is neutral and non-polar, at codon 941 of the LONP1 protein (p.Glu941Gly). This variant is present in population databases (no rsID available, gnomAD 0.006%). This variant has not been reported in the literature in individuals affected with LONP1-related conditions. ClinVar contains an entry for this variant (Variation ID: 2087777). Invitae Evidence Modeling of protein sequence and biophysical properties (such as structural, functional, and spatial information, amino acid conservation, physicochemical variation, residue mobility, and thermodynamic stability) has been performed for this missense variant. However, the output from this modeling did not meet the statistical confidence thresholds required to predict the impact of this variant on LONP1 protein function. In summary, the available evidence is currently insufficient to determine the role of this variant in disease. Therefore, it has been classified as a Variant of Uncertain Significance.